The following is an entry in ClinVar:

NM_000051.4(ATM):c.9154T>C (p.Trp3052Arg)

Genes: ATM (ATM serine/threonine kinase; plus strand), C11orf65 (chromosome 11 open reading frame 65; minus strand). Cytogenetic location: 11q22.3.
Variant type: single nucleotide variant.
Coding change: c.9154T>C on transcript NM_000051.4 (MANE Select); coding-DNA position 9154, T replaced by C.
Protein change: p.Trp3052Arg; replaces tryptophan 3052 with arginine.
Molecular consequence: missense variant. On other transcripts: intron variant (2).
Genome position (GRCh38, 1-based): chr11:108,365,491, T>C. VCF-style: chr11-108365491-T-C. GRCh37 (hg19) VCF-style: chr11-108236218-T-C.
Other names: c.9154T>C, p.Trp3052Arg (NM_001351834.2); c.640+20429A>G (NM_001330368.2); c.694+20429A>G (NM_001351110.2); short protein forms W3052R.
Identifiers: ClinVar variation 999693 (VCV000999693.6), dbSNP rs2091259011, ClinGen allele CA382532155.

ClinVar aggregate classification (germline): Uncertain significance. Review status: criteria provided, multiple submitters, no conflicts (2 of 4 stars). 2 submissions from 2 submitters: Uncertain significance (2). Last evaluated 2025-08-14.

Conditions:
Hereditary cancer-predisposing syndrome. Also called: Tumor predisposition; Neoplastic Syndromes, Hereditary; Hereditary neoplastic syndrome; Hereditary Cancer Syndrome. Identifiers: Orphanet 140162, MedGen C0027672, MeSH D009386, MONDO:0015356.
Ataxia-telangiectasia syndrome (AT). Also called: Ataxia-telangiectasia, complementation group D; AT, COMPLEMENTATION GROUP C; ATAXIA-TELANGIECTASIA, COMPLEMENTATION GROUP A; ATAXIA-TELANGIECTASIA, FRESNO VARIANT; Ataxia-telangiectasia; Ataxia telangiectasia (A-T). Identifiers: Orphanet 100, MedGen C0004135, MONDO:0008840, OMIM 208900.

Allele frequency attached by ClinVar (database versions not stated): gnomAD exomes below 0.00001.
gnomAD v4.1: 1 of 1,614,166 alleles (0.000062%); highest among the groups gnomAD compares: Non-Finnish European, 0.000085%; no homozygotes.

Submissions (2):

Ambry Genetics
Classification: Uncertain significance for Hereditary cancer-predisposing syndrome. Last evaluated: 2025-08-14. Review status: criteria provided, single submitter. Criteria: Ambry Variant Classification Scheme 2023. Collection method: clinical testing. Allele origin: germline.
Comment: The p.W3052R variant (also known as c.9154T>C), located in coding exon 62 of the ATM gene, results from a T to C substitution at nucleotide position 9154. The tryptophan at codon 3052 is replaced by arginine, an amino acid with dissimilar properties. This amino acid position is conserved. In addition, this alteration is predicted to be deleterious by in silico analysis. Based on the available evidence, the clinical significance of this variant remains unclear.

Labcorp Genetics (formerly Invitae), Labcorp
Classification: Uncertain significance for Ataxia-telangiectasia syndrome. Last evaluated: 2021-10-09. Review status: criteria provided, single submitter. Criteria: Invitae Variant Classification Sherloc (09022015). Collection method: clinical testing. Allele origin: germline.
Comment: This sequence change replaces tryptophan with arginine at codon 3052 of the ATM protein (p.Trp3052Arg). The tryptophan residue is highly conserved and there is a moderate physicochemical difference between tryptophan and arginine. This variant is not present in population databases (ExAC no frequency). This variant has not been reported in the literature in individuals affected with ATM-related conditions. Algorithms developed to predict the effect of missense changes on protein structure and function (SIFT, PolyPhen-2, Align-GVGD) all suggest that this variant is likely to be disruptive. In summary, the available evidence is currently insufficient to determine the role of this variant in disease. Therefore, it has been classified as a Variant of Uncertain Significance.